The following is an entry in ClinVar:

ClinVar aggregate classification (germline): Pathogenic (1 of 4 stars; one submission).

Allele frequency attached by ClinVar (database versions not stated): gnomAD exomes below 0.00001.

Submission:

Labcorp Genetics (formerly Invitae), Labcorp
Classification: Pathogenic. Last evaluated: 2022-01-12. Review status: criteria provided, single submitter. Criteria: Invitae Variant Classification Sherloc (09022015). Collection method: clinical testing. Allele origin: germline.
Comment: For these reasons, this variant has been classified as Pathogenic. This variant has not been reported in the literature in individuals affected with ABHD12-related conditions. This variant is not present in population databases (gnomAD no frequency). This sequence change creates a premature translational stop signal (p.Leu271Ilefs*7) in the ABHD12 gene. It is expected to result in an absent or disrupted protein product. Loss-of-function variants in ABHD12 are known to be pathogenic (PMID: 20797687).

Literature cited by the submitters: PubMed 20797687.

NM_001042472.3(ABHD12):c.809dup (p.Leu271fs)

Gene: ABHD12 (abhydrolase domain containing 12, lysophospholipase; minus strand). Cytogenetic location: 20p11.21.
Variant type: Duplication.
Coding change: c.809dup on transcript NM_001042472.3 (MANE Select); coding-DNA position 809, one base duplicated (T; older notation c.809dupT).
Protein change: p.Leu271fs; shifts the reading frame from leucine 271.
Molecular consequence: frameshift variant.
Genome position (GRCh38, 1-based): chr20:25,308,024, A duplicated on the plus strand (T on the coding strand, the reverse complement: ABHD12 is on the minus strand). VCF-style (leftmost placement, unchanged base first): chr20-25308023-T-TA. GRCh37 (hg19) VCF-style: chr20-25288659-T-TA.
Other names: c.809dup, p.Leu271fs (NM_015600.5); short protein forms L271fs.
Identifiers: ClinVar variation 1965513 (VCV001965513.5), dbSNP rs2515767748, ClinGen allele CA2580098062.